The following is an entry in ClinVar:

ClinVar aggregate classification (germline): Uncertain significance (1 of 4 stars; one submission).

Conditions:
SIX5-related disorder. Also called: SIX5-related condition.

Submission:

PreventionGenetics, part of Exact Sciences
Classification: Uncertain significance for SIX5-related condition. Last evaluated: 2025-06-01. Review status: criteria provided, single submitter. Criteria: ACMG Guidelines, 2015. Collection method: clinical testing. Allele origin: germline.
Comment: The SIX5 c.186G>T variant is predicted to result in the amino acid substitution p.Glu62Asp. To our knowledge, this variant has not been reported in the literature or in a large population database (gnomAD), indicating this variant is rare. At this time, the clinical significance of this variant is uncertain due to the absence of conclusive functional and genetic evidence.

NM_175875.5(SIX5):c.186G>T (p.Glu62Asp)

Genes: DM1-AS (DM1 locus antisense RNA; plus strand), SIX5 (SIX homeobox 5; minus strand), LOC107075317 (origin of replication in DMPK trinucleotide repeat region; plus strand), LOC129929037 (ATAC-STARR-seq lymphoblastoid silent region 10794; plus strand). Cytogenetic location: 19q13.32.
Variant type: single nucleotide variant.
Coding change: c.186G>T on transcript NM_175875.5 (MANE Select); coding-DNA position 186, G replaced by T.
Protein change: p.Glu62Asp; replaces glutamic acid 62 with aspartic acid.
Molecular consequence: missense variant.
Genome position (GRCh38, 1-based): chr19:45,768,659, C>A on the plus strand (G>T on the coding strand, the complement: SIX5 is on the minus strand). VCF-style: chr19-45768659-C-A. GRCh37 (hg19) VCF-style: chr19-46271917-C-A.
Other names: short protein forms E62D.
Identifiers: ClinVar variation 4997130 (VCV004997130.1).